The following is an entry in ClinVar:

ClinVar aggregate classification (germline): Likely benign. Review status: criteria provided, single submitter (1 of 4 stars). 2 submissions from 2 submitters: Likely benign (1). 1 of the submissions does not count toward it. Last evaluated 2024-10-11.

Conditions:
CUL4B-related disorder. Also called: CUL4B-related condition.

Allele frequency attached by ClinVar (database versions not stated): gnomAD 0.00001; TOPMed 0.00002; gnomAD exomes 0.00006; ExAC 0.00011.
gnomAD v4.1: 85 of 1,207,860 alleles (0.007%); highest among the groups gnomAD compares: South Asian, 0.11%; 1 homozygote.

Submissions (2):

Blueprint Genetics
Classification: Likely benign. Last evaluated: 2024-10-11. Review status: criteria provided, single submitter. Criteria: ACMG Guidelines, 2015. Collection method: clinical testing. Allele origin: germline.

PreventionGenetics, part of Exact Sciences
Classification: Likely benign for CUL4B-related condition. Last evaluated: 2023-11-16. Review status: no assertion criteria provided. Collection method: clinical testing. Allele origin: germline. Not counted in ClinVar's aggregate classification.
Comment: This variant is classified as likely benign based on ACMG/AMP sequence variant interpretation guidelines (Richards et al. 2015 PMID: 25741868, with internal and published modifications).

NM_001079872.2(CUL4B):c.2310C>G (p.Gly770=)

Gene: CUL4B (cullin 4B; minus strand). Cytogenetic location: Xq24.
Variant type: single nucleotide variant.
Coding change: c.2310C>G on transcript NM_001079872.2 (MANE Select); coding-DNA position 2310, C replaced by G.
Protein change: p.Gly770=; no amino-acid change (glycine 770 retained).
Molecular consequence: synonymous variant.
Genome position (GRCh38, 1-based): chrX:120,532,551, G>C on the plus strand (C>G on the coding strand, the complement: CUL4B is on the minus strand). VCF-style: chrX-120532551-G-C. GRCh37 (hg19) VCF-style: chrX-119666406-G-C.
Other names: c.2325C>G, p.Gly775= (NM_001330624.2); c.1776C>G, p.Gly592= (NM_001369145.1); c.2364C>G, p.Gly788= (NM_003588.4).
Identifiers: ClinVar variation 3051800 (VCV003051800.3), dbSNP rs761177136, ClinGen allele CA10505415.
Genomic context (GRCh38, chrX:120,532,551, plus strand): 5'-GAACTTGTCACCATCTTCAATGTCTTTGCCCTTTGGATTTTTCGCCAGAACTCTAGCTTT[G>C]CCACAGGCTAATGACTGCAGTGTTCTCCTTAACTCTCCATCCTCTGAAGAAGAAACAGAG-3'
Protein context (NP_001073341.1, residues 760-780): LRRTLQSLAC[Gly770=]KARVLAKNPK